The following is an entry in ClinVar:

ClinVar aggregate classification (germline): Uncertain significance (1 of 4 stars; one submission).

Conditions:
Hereditary cancer-predisposing syndrome. Also called: Tumor predisposition; Hereditary Cancer Syndrome; Hereditary neoplastic syndrome; Neoplastic Syndromes, Hereditary. Identifiers: Orphanet 140162, MedGen C0027672, MeSH D009386, MONDO:0015356.

Submission:

Ambry Genetics
Classification: Uncertain significance for Hereditary cancer-predisposing syndrome. Last evaluated: 2023-09-18. Review status: criteria provided, single submitter. Criteria: Ambry Variant Classification Scheme 2023. Collection method: clinical testing. Allele origin: germline.
Comment: The p.M2962V variant (also known as c.8884A>G), located in coding exon 61 of the ATM gene, results from an A to G substitution at nucleotide position 8884. The methionine at codon 2962 is replaced by valine, an amino acid with highly similar properties. This amino acid position is conserved. In addition, this alteration is predicted to be deleterious by in silico analysis. Since supporting evidence is limited at this time, the clinical significance of this alteration remains unclear.

NM_000051.4(ATM):c.8884A>G (p.Met2962Val)

Genes: ATM (ATM serine/threonine kinase; plus strand), C11orf65 (chromosome 11 open reading frame 65; minus strand). Cytogenetic location: 11q22.3.
Variant type: single nucleotide variant.
Coding change: c.8884A>G on transcript NM_000051.4 (MANE Select); coding-DNA position 8884, A replaced by G.
Protein change: p.Met2962Val; replaces methionine 2962 with valine.
Molecular consequence: missense variant. On other transcripts: intron variant (2).
Genome position (GRCh38, 1-based): chr11:108,365,115, A>G. VCF-style: chr11-108365115-A-G. GRCh37 (hg19) VCF-style: chr11-108235842-A-G.
Other names: c.8884A>G, p.Met2962Val (NM_001351834.2); c.640+20805T>C (NM_001330368.2); c.694+20805T>C (NM_001351110.2); short protein forms M2962V.
Identifiers: ClinVar variation 3223481 (VCV003223481.1), dbSNP rs2137874650, ClinGen allele CA382529694.